The following is an entry in ClinVar:

ClinVar aggregate classification (germline): Conflicting classifications of pathogenicity. Review status: criteria provided, conflicting classifications (1 of 4 stars). 10 submissions from 9 submitters: Uncertain significance (1); Likely benign (4). 5 of the submissions do not count toward it. Last evaluated 2026-09-01.

Conditions:
Macular dystrophy. Identifiers: MedGen C0730292, HP:0007754.
Usher syndrome. Also called: Usher Syndromes; Usher's syndrome. Identifiers: Orphanet 886, MedGen CN469326, MeSH D052245, MONDO:0019501. Disease mechanism: loss of function.
Cone dystrophy 3 (COD3). Also called: RETINAL CONE DYSTROPHY. Identifiers: Orphanet 1872, MedGen C1865869, MONDO:0011193, OMIM 602093.

Allele frequency attached by ClinVar (database versions not stated): 1000 Genomes Project below 0.00001; TOPMed 0.00120; gnomAD 0.00125 and 0.00130.

Submissions (10):

CeGaT Center for Human Genetics Tuebingen
Classification: Likely benign. Last evaluated: 2026-09-01. Review status: criteria provided, single submitter. Criteria: CeGaT Center For Human Genetics Tuebingen Variant Classification Criteria Version 2. Collection method: clinical testing. Allele origin: germline. Affected: yes. Observed: 3 variant alleles.
Comment: GUCA1A: BS1

Labcorp Genetics (formerly Invitae), Labcorp
Classification: Likely benign. Last evaluated: 2026-01-27. Review status: criteria provided, single submitter. Criteria: Invitae Variant Classification Sherloc (09022015). Collection method: clinical testing. Allele origin: germline.

Blueprint Genetics
Classification: Likely benign. Last evaluated: 2024-11-21. Review status: criteria provided, single submitter. Criteria: ACMG Guidelines, 2015. Collection method: clinical testing. Allele origin: germline.

Department of Pathology and Laboratory Medicine, Sinai Health System
Classification: Likely benign for Cone dystrophy 3. Last evaluated: 2022-03-21. Review status: criteria provided, single submitter. Criteria: ACMG Guidelines, 2015. Collection method: research. Allele origin: germline.

GeneDx
Classification: Uncertain significance. Last evaluated: 2017-01-03. Review status: criteria provided, single submitter. Criteria: GeneDx Variant Classification (06012015). Collection method: clinical testing. Allele origin: germline. Affected: yes.
Comment: The P50L variant in the GUCA1A gene has been reported previously in three members of a family with variable ocular abnormalities, ranging from minimal macular involvement to moderately severe cone-rod dystrophy (Downes et al., 2001). The P50L variant was also identified in a patient with cone and cone-rod dystrophy, however, informative familial segregation data was not included to confirm if this variant occurred de novo or was inherited in this individual (Boulanger-Scemama et al., 2015). The NHLBI ESP Exome Sequencing Project reports P50L was observed in 0.12% (10/8600) alleles from individuals of European American ancestry, indicating it may be a rare (benign) variant in this population. The P50L variant is a semi-conservative amino acid substitution, which may impact secondary protein structure as these residues differ in some properties. This substitution occurs at a position that is conserved in mammals. One in vitro functional study concluded that this variant results in impaired calcium binding, however, enzyme assays showed similar results for the P50L variant compared to wild type enzyme, and it is unclear how this variant impacts the protein function (Sokal et al., 2000). In silico analysis is inconsistent in its predictions as to whether or not the variant is damaging to the protein structure/function. We now interpret P50L as a variant of uncertain significance.

Department of Clinical Genetics, Copenhagen University Hospital, Rigshospitalet
Classification: Pathogenic for Macular dystrophy. Last evaluated: 2018-04-01. Review status: no assertion criteria provided. Collection method: research. Allele origin: unknown. Affected: yes. Study: VeluxRD. Not counted in ClinVar's aggregate classification.

Department of Clinical Genetics, Copenhagen University Hospital, Rigshospitalet
Classification: Pathogenic for Usher syndrome. Last evaluated: 2018-04-01. Review status: no assertion criteria provided. Collection method: research. Allele origin: unknown. Affected: yes. Study: VeluxRD. Not counted in ClinVar's aggregate classification.

OMIM
Classification: Pathogenic for CONE DYSTROPHY 3. Last evaluated: 2001-01-01. Review status: no assertion criteria provided. Collection method: literature only. Allele origin: germline. Not counted in ClinVar's aggregate classification.

Clinical Genetics DNA and cytogenetics Diagnostics Lab, Erasmus MC, Erasmus Medical Center
Classification: Likely benign. Review status: no assertion criteria provided. Collection method: clinical testing. Allele origin: germline. Affected: yes. Study: VKGL Data-share Consensus. Not counted in ClinVar's aggregate classification.

Clinical Genetics, Academic Medical Center
Classification: Likely benign. Review status: no assertion criteria provided. Collection method: clinical testing. Allele origin: germline. Affected: yes. Study: VKGL Data-share Consensus. Not counted in ClinVar's aggregate classification.

Literature cited by the submitters: PubMed 30718709 (cited by Department of Clinical Genetics, Copenhagen University Hospital, Rigshospitalet); PubMed 11146732 (cited by OMIM).

NM_001384910.1(GUCA1A):c.149C>T (p.Pro50Leu)

Genes: GUCA1A (guanylate cyclase activator 1A; plus strand), GUCA1ANB-GUCA1A (GUCA1ANB-GUCA1A readthrough; plus strand). Cytogenetic location: 6p21.1.
Variant type: single nucleotide variant.
Coding change: c.149C>T on transcript NM_001384910.1 (MANE Select); coding-DNA position 149, C replaced by T.
Protein change: p.Pro50Leu; replaces proline 50 with leucine.
Molecular consequence: missense variant.
Genome position (GRCh38, 1-based): chr6:42,173,762, C>T. VCF-style: chr6-42173762-C-T. GRCh37 (hg19) VCF-style: chr6-42141500-C-T.
Other names: c.149C>T, p.Pro50Leu (NM_000409.5, NM_001319061.2, NM_001319062.2); short protein forms P50L.
Identifiers: ClinVar variation 9151 (VCV000009151.20), dbSNP rs104893968, ClinGen allele CA120149.